The following is an entry in ClinVar:

NM_000094.4(COL7A1):c.6983C>G (p.Ala2328Gly)

Gene: COL7A1 (collagen type VII alpha 1 chain; minus strand). Cytogenetic location: 3p21.31.
Variant type: single nucleotide variant.
Coding change: c.6983C>G on transcript NM_000094.4 (MANE Select); coding-DNA position 6983, C replaced by G.
Protein change: p.Ala2328Gly; replaces alanine 2328 with glycine.
Molecular consequence: missense variant.
Genome position (GRCh38, 1-based): chr3:48,572,167, G>C on the plus strand (C>G on the coding strand, the complement: COL7A1 is on the minus strand). VCF-style: chr3-48572167-G-C. GRCh37 (hg19) VCF-style: chr3-48609600-G-C.
Other names: short protein forms A2328G.
Identifiers: ClinVar variation 3495775 (VCV003495775.3).

ClinVar aggregate classification (germline): Uncertain significance. Review status: criteria provided, multiple submitters, no conflicts (2 of 4 stars). 2 submissions from 2 submitters: Uncertain significance (2). Last evaluated 2024-11-13.

Conditions:
Inborn genetic diseases. Identifiers: MedGen C0950123, MeSH D030342.

gnomAD v4.1: 12 of 1,613,934 alleles (0.00074%); highest among the groups gnomAD compares: Admixed American, 0.015%; no homozygotes.

Submissions (2):

Ambry Genetics
Classification: Uncertain significance for Inborn genetic diseases. Last evaluated: 2024-11-13. Review status: criteria provided, single submitter. Criteria: Ambry Variant Classification Scheme 2023. Collection method: clinical testing. Allele origin: germline.

Labcorp Genetics (formerly Invitae), Labcorp
Classification: Uncertain significance. Last evaluated: 2024-09-09. Review status: criteria provided, single submitter. Criteria: Invitae Variant Classification Sherloc (09022015). Collection method: clinical testing. Allele origin: germline.
Comment: This sequence change replaces alanine, which is neutral and non-polar, with glycine, which is neutral and non-polar, at codon 2328 of the COL7A1 protein (p.Ala2328Gly). This variant is present in population databases (rs751237827, gnomAD 0.03%). This variant has not been reported in the literature in individuals affected with COL7A1-related conditions. Invitae Evidence Modeling of protein sequence and biophysical properties (such as structural, functional, and spatial information, amino acid conservation, physicochemical variation, residue mobility, and thermodynamic stability) has been performed for this missense variant. However, the output from this modeling did not meet the statistical confidence thresholds required to predict the impact of this variant on COL7A1 protein function. In summary, the available evidence is currently insufficient to determine the role of this variant in disease. Therefore, it has been classified as a Variant of Uncertain Significance.